The following is an entry in ClinVar:

ClinVar aggregate classification (germline): Pathogenic (1 of 4 stars; one submission).

Conditions:
Pontocerebellar hypoplasia type 1B. Also called: EXOSC3 Pontocerebellar Hypoplasia. Identifiers: Orphanet 2254, MedGen C3553449, MONDO:0013853, OMIM 614678.

Submission:

Labcorp Genetics (formerly Invitae), Labcorp
Classification: Pathogenic for Pontocerebellar hypoplasia type 1B. Last evaluated: 2023-12-14. Review status: criteria provided, single submitter. Criteria: Invitae Variant Classification Sherloc (09022015). Collection method: clinical testing. Allele origin: germline.
Comment: This sequence change creates a premature translational stop signal (p.Cys184Leufs*19) in the EXOSC3 gene. While this is not anticipated to result in nonsense mediated decay, it is expected to disrupt the last 92 amino acid(s) of the EXOSC3 protein. The frequency data for this variant in the population databases is considered unreliable, as metrics indicate poor data quality at this position in the gnomAD database. This premature translational stop signal has been observed in individual(s) with pontocerebellar hypoplasia (PMID: 23284067). This variant disrupts a region of the EXOSC3 protein in which other variant(s) (p.Trp238Arg) have been determined to be pathogenic (PMID: 22544365, 27777260, 28053271). This suggests that this is a clinically significant region of the protein, and that variants that disrupt it are likely to be disease-causing. For these reasons, this variant has been classified as Pathogenic.

Literature cited by the submitters: PubMed 23284067; PubMed 22544365; PubMed 27777260; PubMed 28053271.

NM_016042.4(EXOSC3):c.551del (p.Cys184fs)

Gene: EXOSC3 (exosome component 3; minus strand). Cytogenetic location: 9p13.2.
Variant type: Deletion.
Coding change: c.551del on transcript NM_016042.4 (MANE Select); coding-DNA position 551, one base deleted (G; older notation c.551delG).
Protein change: p.Cys184fs; shifts the reading frame from cysteine 184.
Molecular consequence: frameshift variant. On other transcripts: intron variant (1).
Genome position (GRCh38, 1-based): chr9:37,782,061, C deleted on the plus strand (G on the coding strand, the reverse complement: EXOSC3 is on the minus strand). VCF-style (leftmost placement, unchanged base first): chr9-37782060-AC-A. GRCh37 (hg19) VCF-style: chr9-37782057-AC-A.
Other names: c.475-1181del (NM_001002269.2); short protein forms C184fs.
Identifiers: ClinVar variation 2735274 (VCV002735274.3), dbSNP rs2489883308, ClinGen allele CA587827992.